The following is an entry in ClinVar:

NM_000059.4(BRCA2):c.3389_3390insG (p.Phe1130fs)

Gene: BRCA2 (BRCA2 DNA repair associated; plus strand). Cytogenetic location: 13q13.1.
Variant type: Insertion.
Coding change: c.3389_3390insG on transcript NM_000059.4 (MANE Select); coding-DNA positions 3389 to 3390, G inserted.
Protein change: p.Phe1130fs; shifts the reading frame from phenylalanine 1130.
Molecular consequence: frameshift variant.
Genome position: GRCh38 VCF-style: chr13-32337744-T-TG. GRCh37 (hg19) VCF-style: chr13-32911881-T-TG.
Other names: short protein forms F1130fs.
Identifiers: ClinVar variation 1171730 (VCV001171730.6), dbSNP rs2137496075, ClinGen allele CA2499222131.

ClinVar aggregate classification (germline): Pathogenic. Review status: criteria provided, multiple submitters, no conflicts (2 of 4 stars). 2 submissions from 2 submitters: Pathogenic (2). Last evaluated 2023-06-09.

Conditions:
Hereditary cancer-predisposing syndrome. Also called: Tumor predisposition; Hereditary neoplastic syndrome; Hereditary Cancer Syndrome; Neoplastic Syndromes, Hereditary. Identifiers: Orphanet 140162, MedGen C0027672, MeSH D009386, MONDO:0015356.
Hereditary breast ovarian cancer syndrome. Also called: Hereditary breast and ovarian cancer; Hereditary breast and ovarian cancer syndrome; Hereditary breast and/or ovarian cancer syndrome; BRCA1- and BRCA2-Associated Hereditary Breast and Ovarian Cancer; Hereditary breast and ovarian cancer syndrome (HBOC); Breast and ovarian cancer. Identifiers: Orphanet 145, MedGen C0677776, MeSH D061325, MONDO:0003582. Disease mechanism: loss of function.

Submissions (2):

Labcorp Genetics (formerly Invitae), Labcorp
Classification: Pathogenic for Hereditary breast ovarian cancer syndrome. Last evaluated: 2023-06-09. Review status: criteria provided, single submitter. Criteria: Invitae Variant Classification Sherloc (09022015). Collection method: clinical testing. Allele origin: germline.
Comment: This sequence change creates a premature translational stop signal (p.Phe1130Leufs*2) in the BRCA2 gene. It is expected to result in an absent or disrupted protein product. Loss-of-function variants in BRCA2 are known to be pathogenic (PMID: 20104584). This variant is not present in population databases (gnomAD no frequency). For these reasons, this variant has been classified as Pathogenic. ClinVar contains an entry for this variant (Variation ID: 1171730). This variant has not been reported in the literature in individuals affected with BRCA2-related conditions.

Color Diagnostics, LLC DBA Color Health
Classification: Pathogenic for Hereditary cancer-predisposing syndrome. Last evaluated: 2022-05-23. Review status: criteria provided, single submitter. Criteria: ACMG Guidelines, 2015. Collection method: clinical testing. Allele origin: germline.
Comment: This variant inserts 1 nucleotide in exon 11 of the BRCA2 gene, creating a frameshift and premature translation stop signal. This variant is expected to result in an absent or non-functional protein product. To our knowledge, this variant has not been reported in individuals affected with hereditary cancer in the literature. This variant has not been identified in the general population by the Genome Aggregation Database (gnomAD). Loss of BRCA2 function is a known mechanism of disease. Based on the available evidence, this variant is classified as Pathogenic.

Literature cited by the submitters: PubMed 20104584 (cited by Labcorp Genetics (formerly Invitae), Labcorp).